The following is an entry in ClinVar:

ClinVar aggregate classification (germline): Likely benign. Review status: criteria provided, multiple submitters, no conflicts (2 of 4 stars). 2 submissions from 2 submitters: Likely benign (2). Last evaluated 2026-03-06.

Conditions:
SLC26A1-related disorder. Also called: SLC26A1-related condition.

Allele frequency attached by ClinVar (database versions not stated): gnomAD 0.00015; TOPMed 0.00015; ESP Exome Variant Server 0.00016; ExAC 0.00020; gnomAD exomes 0.00031.
gnomAD v4.1: 454 of 1,572,566 alleles (0.029%); highest among the groups gnomAD compares: Non-Finnish European, 0.037%; no homozygotes.

Submissions (2):

PreventionGenetics, part of Exact Sciences
Classification: Likely benign for SLC26A1-related condition. Last evaluated: 2026-03-06. Review status: criteria provided, single submitter. Criteria: ACMG Guidelines, 2015. Collection method: clinical testing. Allele origin: germline.
Comment: This variant is classified as likely benign based on ACMG/AMP sequence variant interpretation guidelines (Richards et al. 2015 PMID: 25741868, with internal and published modifications).

Labcorp Genetics (formerly Invitae), Labcorp
Classification: Likely benign. Last evaluated: 2025-03-12. Review status: criteria provided, single submitter. Criteria: Invitae Variant Classification Sherloc (09022015). Collection method: clinical testing. Allele origin: germline.

NM_022042.4(SLC26A1):c.711G>A (p.Pro237=)

Genes: IDUA (alpha-L-iduronidase; plus strand), SLC26A1 (solute carrier family 26 member 1; minus strand). Cytogenetic location: 4p16.3.
Variant type: single nucleotide variant.
Coding change: c.711G>A on transcript NM_022042.4 (MANE Select); coding-DNA position 711, G replaced by A.
Protein change: p.Pro237=; no amino-acid change (proline 237 retained).
Molecular consequence: synonymous variant. On other transcripts: intron variant (2).
Genome position (GRCh38, 1-based): chr4:990,228, C>T on the plus strand (G>A on the coding strand, the complement: SLC26A1 is on the minus strand). VCF-style: chr4-990228-C-T. GRCh37 (hg19) VCF-style: chr4-984016-C-T.
Other names: c.711G>A (NM_022042.3); c.711G>A, p.Pro237= (NM_213613.4); c.576+900G>A (NM_134425.4); c.299+2279C>T (NM_000203.5).
Identifiers: ClinVar variation 2693774 (VCV002693774.4), dbSNP rs375610014, ClinGen allele CA2801568.
Genomic context (GRCh38, chr4:990,228, plus strand): 5'-CCCGGCGCCGCGCAGCAGGCTCAGCCATGTGAGGACCACCATGCCGGGCCCCTGGTGCCG[C>T]GGGATCCGCACGCCCAGCAGGTGTTTGAGCTGCGAGGTCAGGATGGTCACGGAGGCCCCC-3'
Protein context (NP_071325.2, residues 227-247): QLKHLLGVRI[Pro237=]RHQGPGMVVL